The following is an entry in ClinVar:

ClinVar aggregate classification (germline): Uncertain significance (1 of 4 stars; one submission).

Submission:

CeGaT Center for Human Genetics Tuebingen
Classification: Uncertain significance. Last evaluated: 2022-10-01. Review status: criteria provided, single submitter. Criteria: CeGaT Center For Human Genetics Tuebingen Variant Classification Criteria Version 2. Collection method: clinical testing. Allele origin: germline. Affected: yes. Observed: 1 variant allele.
Comment: PUF60: PM2, PP2

NM_078480.3(PUF60):c.692C>T (p.Ala231Val)

Gene: PUF60 (poly(U) binding splicing factor 60; minus strand). Cytogenetic location: 8q24.3.
Variant type: single nucleotide variant.
Coding change: c.692C>T on transcript NM_078480.3 (MANE Select); coding-DNA position 692, C replaced by T.
Protein change: p.Ala231Val; replaces alanine 231 with valine.
Molecular consequence: missense variant.
Genome position (GRCh38, 1-based): chr8:143,817,987, G>A on the plus strand (C>T on the coding strand, the complement: PUF60 is on the minus strand). VCF-style: chr8-143817987-G-A. GRCh37 (hg19) VCF-style: chr8-144900157-G-A.
Other names: c.563C>T, p.Ala188Val (NM_001136033.3); c.638C>T, p.Ala213Val (NM_001271096.2); c.554C>T, p.Ala185Val (NM_001271097.2); c.689C>T, p.Ala230Val (NM_001271098.2); c.605C>T, p.Ala202Val (NM_001271099.2); c.512C>T, p.Ala171Val (NM_001271100.2); c.803C>T, p.Ala268Val (NM_001362895.2, NM_001362896.2); c.752C>T, p.Ala251Val (NM_001362897.2); and 1 more; short protein forms A171V, A185V, A188V, A202V, A213V, A214V, A230V, A231V.
Identifiers: ClinVar variation 2658919 (VCV002658919.24), dbSNP rs2538860109, ClinGen allele CA372490596.